The following is an entry in ClinVar:

ClinVar aggregate classification (germline): Uncertain significance. Review status: criteria provided, multiple submitters, no conflicts (2 of 4 stars). 3 submissions from 3 submitters: Uncertain significance (3). Last evaluated 2023-12-14.

Conditions:
RIDDLE syndrome. Identifiers: Orphanet 420741, MedGen C2677792, MONDO:0012764, OMIM 611943.

Allele frequency attached by ClinVar (database versions not stated): ExAC 0.00015; ESP Exome Variant Server 0.00015; gnomAD exomes 0.00017; 1000 Genomes Project 0.00020; 1000 Genomes Project 30x 0.00031.

Submissions (3):

Labcorp Genetics (formerly Invitae), Labcorp
Classification: Uncertain significance. Last evaluated: 2023-12-14. Review status: criteria provided, single submitter. Criteria: Invitae Variant Classification Sherloc (09022015). Collection method: clinical testing. Allele origin: germline.
Comment: This sequence change replaces serine, which is neutral and polar, with leucine, which is neutral and non-polar, at codon 340 of the RNF168 protein (p.Ser340Leu). This variant is present in population databases (rs187146687, gnomAD 0.03%). This variant has not been reported in the literature in individuals affected with RNF168-related conditions. ClinVar contains an entry for this variant (Variation ID: 1418915). An algorithm developed to predict the effect of missense changes on protein structure and function (PolyPhen-2) suggests that this variant¬†is likely to be tolerated. In summary, the available evidence is currently insufficient to determine the role of this variant in disease. Therefore, it has been classified as a Variant of Uncertain Significance.

ARUP Laboratories, Molecular Genetics and Genomics, ARUP Laboratories
Classification: Uncertain significance for RIDDLE syndrome. Last evaluated: 2023-10-31. Review status: criteria provided, single submitter. Criteria: ARUP Molecular Germline Variant Investigation Process 2024. Collection method: clinical testing. Allele origin: germline.
Comment: The RNF168 c.1019C>T; p.Ser340Leu variant (rs187146687), to our knowledge, is not reported in the medical literature but is reported in ClinVar (Variation ID: 1418915). This variant is found in the general population with an overall allele frequency of 0.02% (50/282,822 alleles) in the Genome Aggregation Database. Computational analyses predict that this variant is neutral (REVEL: 0.117). However, given the lack of clinical and functional data, the significance of this variant is uncertain at this time.

Breakthrough Genomics
Classification: Uncertain significance. Review status: criteria provided, single submitter. Criteria: ACMG Guidelines, 2015. Collection method: not provided. Allele origin: germline. Inheritance: Autosomal recessive inheritance. Affected: yes.

NM_152617.4(RNF168):c.1019C>T (p.Ser340Leu)

Gene: RNF168 (ring finger protein 168; minus strand). Cytogenetic location: 3q29.
Variant type: single nucleotide variant.
Coding change: c.1019C>T on transcript NM_152617.4 (MANE Select); coding-DNA position 1019, C replaced by T.
Protein change: p.Ser340Leu; replaces serine 340 with leucine.
Molecular consequence: missense variant.
Genome position (GRCh38, 1-based): chr3:196,472,516, G>A on the plus strand (C>T on the coding strand, the complement: RNF168 is on the minus strand). VCF-style: chr3-196472516-G-A. GRCh37 (hg19) VCF-style: chr3-196199387-G-A.
Other names: short protein forms S340L.
Identifiers: ClinVar variation 1418915 (VCV001418915.8), dbSNP rs187146687, ClinGen allele CA2780750.